The following is an entry in ClinVar:

NM_001267550.2(TTN):c.100829G>T (p.Gly33610Val)

Genes: TTN (titin; minus strand), TTN-AS1 (TTN antisense RNA 1; plus strand). Cytogenetic location: 2q31.2.
Variant type: single nucleotide variant.
Coding change: c.100829G>T on transcript NM_001267550.2 (MANE Select); coding-DNA position 100829, G replaced by T.
Protein change: p.Gly33610Val; replaces glycine 33610 with valine.
Molecular consequence: missense variant. On other transcripts: non-coding transcript variant (1).
Genome position (GRCh38, 1-based): chr2:178,535,786, C>A on the plus strand (G>T on the coding strand, the complement: TTN is on the minus strand). VCF-style: chr2-178535786-C-A. GRCh37 (hg19) VCF-style: chr2-179400513-C-A.
Other names: c.95906G>T, p.Gly31969Val (NM_001256850.1); c.73634G>T, p.Gly24545Val (NM_003319.4); c.93125G>T, p.Gly31042Val (NM_133378.4); c.74009G>T, p.Gly24670Val (NM_133432.3); c.74210G>T, p.Gly24737Val (NM_133437.4); short protein forms G24545V, G33610V, G24670V, G31042V, G31969V, G24737V.
Identifiers: ClinVar variation 1432548 (VCV001432548.6), dbSNP rs373754986, ClinGen allele CA1985975.

ClinVar aggregate classification (germline): Uncertain significance (1 of 4 stars; one submission).

Conditions:
Dilated cardiomyopathy 1G (CMD1G). Identifiers: Orphanet 154, MedGen C1858763, MONDO:0011400, OMIM 604145.
Autosomal recessive limb-girdle muscular dystrophy type 2J (LGMDR10). Also called: MUSCULAR DYSTROPHY, LIMB-GIRDLE, AUTOSOMAL RECESSIVE 10; Limb-girdle muscular dystrophy, type 2J. Identifiers: Orphanet 140922, MedGen C1837342, MONDO:0012127, OMIM 608807.

gnomAD v4.1: 4 of 1,612,502 alleles (0.00025%); highest among the groups gnomAD compares: Admixed American, 0.0067%; no homozygotes.

Submission:

Labcorp Genetics (formerly Invitae), Labcorp
Classification: Uncertain significance for Dilated cardiomyopathy 1G; Autosomal recessive limb-girdle muscular dystrophy type 2J. Last evaluated: 2025-12-23. Review status: criteria provided, single submitter. Criteria: Invitae Variant Classification Sherloc (09022015). Collection method: clinical testing. Allele origin: germline.
Comment: This sequence change replaces glycine, which is neutral and non-polar, with valine, which is neutral and non-polar, at codon 33610 of the TTN protein (p.Gly33610Val). This variant is present in population databases (rs373754986, gnomAD 0.009%). This variant has not been reported in the literature in individuals affected with TTN-related conditions. ClinVar contains an entry for this variant (Variation ID: 1432548). Experimental studies and prediction algorithms are not available or were not evaluated, and the functional significance of this variant is currently unknown. This variant is located in the M band of TTN (PMID: 25589632). Non-truncating variants in this region may be relevant for neuromuscular disorders, but have not been definitively shown to cause cardiomyopathy (PMID: 23975875). In summary, the available evidence is currently insufficient to determine the role of this variant in disease. Therefore, it has been classified as a Variant of Uncertain Significance.

Literature cited by the submitters: PubMed 25589632; PubMed 23975875.